The following is an entry in ClinVar:

NM_145038.5(DRC1):c.1508C>T (p.Ser503Leu)

Gene: DRC1 (dynein regulatory complex subunit 1; plus strand). Cytogenetic location: 2p23.3.
Variant type: single nucleotide variant.
Coding change: c.1508C>T on transcript NM_145038.5 (MANE Select); coding-DNA position 1508, C replaced by T.
Protein change: p.Ser503Leu; replaces serine 503 with leucine.
Molecular consequence: missense variant.
Genome position (GRCh38, 1-based): chr2:26,448,802, C>T. VCF-style: chr2-26448802-C-T. GRCh37 (hg19) VCF-style: chr2-26671670-C-T.
Other names: short protein forms S503L.
Identifiers: ClinVar variation 1372817 (VCV001372817.6), dbSNP rs779688284, ClinGen allele CA1562274.

ClinVar aggregate classification (germline): Uncertain significance (1 of 4 stars; one submission).

Conditions:
Primary ciliary dyskinesia. Also called: Ciliary dyskinesia. Identifiers: Orphanet 244, MedGen C0008780, MONDO:0016575, HP:0012265.

Allele frequency attached by ClinVar (database versions not stated): gnomAD 0.00001; ExAC 0.00002; gnomAD exomes 0.00004 and 0.00005; TOPMed 0.00004.

Submission:

Labcorp Genetics (formerly Invitae), Labcorp
Classification: Uncertain significance for Primary ciliary dyskinesia. Last evaluated: 2021-02-07. Review status: criteria provided, single submitter. Criteria: Invitae Variant Classification Sherloc (09022015). Collection method: clinical testing. Allele origin: germline.
Comment: This variant has not been reported in the literature in individuals with DRC1-related conditions. In summary, the available evidence is currently insufficient to determine the role of this variant in disease. Therefore, it has been classified as a Variant of Uncertain Significance. Algorithms developed to predict the effect of sequence changes on RNA splicing suggest that this variant may disrupt the consensus splice site, but this prediction has not been confirmed by published transcriptional studies. Algorithms developed to predict the effect of missense changes on protein structure and function are either unavailable or do not agree on the potential impact of this missense change (SIFT: "Tolerated"; PolyPhen-2: "Possibly Damaging"; Align-GVGD: "Class C0"). This variant is present in population databases (rs779688284, ExAC 0.02%). This sequence change replaces serine with leucine at codon 503 of the DRC1 protein (p.Ser503Leu). The serine residue is moderately conserved and there is a large physicochemical difference between serine and leucine.